The following is an entry in ClinVar:

ClinVar aggregate classification (germline): Uncertain significance (1 of 4 stars; one submission).

gnomAD v4.1: 7 of 1,612,916 alleles (0.00043%); highest among the groups gnomAD compares: South Asian, 0.0033%; no homozygotes.

Submission:

CeGaT Center for Human Genetics Tuebingen
Classification: Uncertain significance. Last evaluated: 2026-06-01. Review status: criteria provided, single submitter. Criteria: CeGaT Center For Human Genetics Tuebingen Variant Classification Criteria Version 2. Collection method: clinical testing. Allele origin: germline. Affected: yes. Observed: 1 variant allele.
Comment: KDM5B: PM2, PP3

NM_006618.5(KDM5B):c.1130A>G (p.Tyr377Cys)

Gene: KDM5B (lysine demethylase 5B; minus strand). Cytogenetic location: 1q32.1.
Variant type: single nucleotide variant.
Coding change: c.1130A>G on transcript NM_006618.5 (MANE Select); coding-DNA position 1130, A replaced by G.
Protein change: p.Tyr377Cys; replaces tyrosine 377 with cysteine.
Molecular consequence: missense variant.
Genome position (GRCh38, 1-based): chr1:202,758,458, T>C on the plus strand (A>G on the coding strand, the complement: KDM5B is on the minus strand). VCF-style: chr1-202758458-T-C. GRCh37 (hg19) VCF-style: chr1-202727586-T-C.
Other names: c.1238A>G, p.Tyr413Cys (NM_001314042.2); c.995A>G, p.Tyr332Cys (NM_001347591.2); c.1115A>G, p.Tyr372Cys (NM_001399817.1); short protein forms Y332C, Y372C, Y377C, Y413C.
Identifiers: ClinVar variation 4875124 (VCV004875124.2).
Genomic context (GRCh38, chr1:202,758,458, plus strand): 5'-GGCATGTTGAAGTAATCAGATTTGAACGCATCTGCCATTTCCCCAAAAGTACGGAGGGTA[T>C]AGTCCCTGGCTGCTTGTTCAAAGCCAAATGCTTCTTGTGGCTTACTACATTCCTGAAAAT-3'
Protein context (NP_006609.3, residues 367-387): AFGFEQAARD[Tyr377Cys]TLRTFGEMAD